The following is an entry in ClinVar:

NM_003376.6(VEGFA):c.427_428delinsAA (p.Ser143Lys)

Gene: VEGFA (vascular endothelial growth factor A; plus strand). Cytogenetic location: 6p21.1.
Variant type: Indel.
Coding change: c.427_428delinsAA on transcript NM_003376.6 (MANE Select); coding-DNA positions 427 to 428, TC replaced by AA.
Protein change: p.Ser143Lys; replaces serine 143 with lysine.
Molecular consequence: missense variant. On other transcripts: 5 prime UTR variant (10).
Genome position (GRCh38, 1-based): chr6:43,771,133-43,771,134, TC replaced by AA. VCF-style: chr6-43771133-TC-AA. GRCh37 (hg19) VCF-style: chr6-43738870-TC-AA.
Other names: c.427_428delinsAA, p.Ser143Lys (NM_001025366.3, NM_001025367.3, NM_001025368.3 and 5 more transcripts); c.-114_-113delinsAA (NM_001171623.2, NM_001171624.2, NM_001171625.2 and 7 more transcripts); short protein forms S143K.
Identifiers: ClinVar variation 3346830 (VCV003346830.1).
Genomic context (GRCh38, chr6:43,771,133, plus strand): 5'-GCGGCGGTGTGCGCAGACAGTGCTCCAGCCGCGCGCGCTCCCCAGGCCCTGGCCCGGGCC[TC>AA]GGGCCGGGGAGGAAGAGTAGCTCGCCGAGGCGCCGAGGAGAGCGGGCCGCCCCACAGCCC-3'
Protein context (NP_003367.4, residues 133-153): ARAPQALARA[Ser143Lys]GRGGRVARRG

ClinVar aggregate classification (germline): Uncertain significance (0 of 4 stars; one submission).

Conditions:
VEGFA-related disorder. Also called: VEGFA-related condition.

Submission:

PreventionGenetics, part of Exact Sciences
Classification: Uncertain significance for VEGFA-related condition. Last evaluated: 2024-09-24. Review status: no assertion criteria provided. Collection method: clinical testing. Allele origin: germline.
Comment: The VEGFA c.427_428delinsAA variant is predicted to result in an in-frame deletion and insertion. To our knowledge, this variant has not been reported in the literature or in a large population database, indicating this variant is rare. At this time, the clinical significance of this variant is uncertain due to the absence of conclusive functional and genetic evidence.